The following is an entry in ClinVar:

ClinVar aggregate classification (germline): Uncertain significance (1 of 4 stars; one submission).

Conditions:
Myopathy, centronuclear, 2 (CNM2). Also called: MYOTUBULAR MYOPATHY, AUTOSOMAL RECESSIVE. Identifiers: Orphanet 169186, MedGen CN031787, MONDO:0009709, OMIM 255200.

gnomAD v4.1: 28 of 1,613,954 alleles (0.0017%); highest among the groups gnomAD compares: Non-Finnish European, 0.0023%; no homozygotes.

Submission:

Labcorp Genetics (formerly Invitae), Labcorp
Classification: Uncertain significance for Myopathy, centronuclear, 2. Last evaluated: 2024-08-04. Review status: criteria provided, single submitter. Criteria: Invitae Variant Classification Sherloc (09022015). Collection method: clinical testing. Allele origin: germline.
Comment: This sequence change falls in intron 1 of the BIN1 gene. It does not directly change the encoded amino acid sequence of the BIN1 protein. It affects a nucleotide within the consensus splice site. This variant is not present in population databases (gnomAD no frequency). This variant has not been reported in the literature in individuals affected with BIN1-related conditions. Variants that disrupt the consensus splice site are a relatively common cause of aberrant splicing (PMID: 17576681, 9536098). Algorithms developed to predict the effect of sequence changes on RNA splicing suggest that this variant is not likely to affect RNA splicing. In summary, the available evidence is currently insufficient to determine the role of this variant in disease. Therefore, it has been classified as a Variant of Uncertain Significance.

Literature cited by the submitters: PubMed 17576681; PubMed 9536098.

NM_139343.3(BIN1):c.85-3C>T

Gene: BIN1 (bridging integrator 1; minus strand). Cytogenetic location: 2q14.3.
Variant type: single nucleotide variant.
Coding change: c.85-3C>T on transcript NM_139343.3 (MANE Select); 3 bases into the intron before coding-DNA position 85, C replaced by T.
Molecular consequence: intron variant.
Genome position (GRCh38, 1-based): chr2:127,076,709, G>A on the plus strand (C>T on the coding strand, the complement: BIN1 is on the minus strand). VCF-style: chr2-127076709-G-A. GRCh37 (hg19) VCF-style: chr2-127834285-G-A.
Other names: c.4-3C>T (NM_001320642.1); c.13-3C>T (NM_001320634.1); c.85-3C>T (NM_139351.3, NM_139350.3, NM_139349.3 and 10 more transcripts).
Identifiers: ClinVar variation 3689801 (VCV003689801.2).